The following is an entry in ClinVar:

ClinVar aggregate classification (germline): Uncertain significance (1 of 4 stars; one submission).

Conditions:
Growth hormone insensitivity with immune dysregulation 1, autosomal recessive. Also called: LARON SYNDROME DUE TO POSTRECEPTOR DEFECT; GROWTH HORMONE INSENSITIVITY DUE TO POSTRECEPTOR DEFECT; GROWTH HORMONE INSENSITIVITY SYNDROME WITH IMMUNE DYSREGULATION 1, AUTOSOMAL RECESSIVE; Laron syndrome with immunodeficiency. Identifiers: Orphanet 220465, MedGen C5435698, MONDO:0100211, OMIM 245590.

Allele frequency attached by ClinVar (database versions not stated): gnomAD 0.00001; gnomAD exomes 0.00001 and 0.00002; TOPMed 0.00001.
gnomAD v4.1: 15 of 1,613,518 alleles (0.00093%); highest among the groups gnomAD compares: Admixed American, 0.005%; no homozygotes.

Submission:

Labcorp Genetics (formerly Invitae), Labcorp
Classification: Uncertain significance for Growth hormone insensitivity with immune dysregulation 1, autosomal recessive. Last evaluated: 2025-05-01. Review status: criteria provided, single submitter. Criteria: Invitae Variant Classification Sherloc (09022015). Collection method: clinical testing. Allele origin: germline.
Comment: This sequence change replaces isoleucine, which is neutral and non-polar, with threonine, which is neutral and polar, at codon 334 of the STAT5B protein (p.Ile334Thr). This variant is present in population databases (rs754879860, gnomAD 0.009%). This variant has not been reported in the literature in individuals affected with STAT5B-related conditions. ClinVar contains an entry for this variant (Variation ID: 1406948). Invitae Evidence Modeling of protein sequence and biophysical properties (such as structural, functional, and spatial information, amino acid conservation, physicochemical variation, residue mobility, and thermodynamic stability) indicates that this missense variant is expected to disrupt STAT5B protein function with a positive predictive value of 80%. In summary, the available evidence is currently insufficient to determine the role of this variant in disease. Therefore, it has been classified as a Variant of Uncertain Significance.

NM_012448.4(STAT5B):c.1001T>C (p.Ile334Thr)

Gene: STAT5B (signal transducer and activator of transcription 5B; minus strand). Cytogenetic location: 17q21.2.
Variant type: single nucleotide variant.
Coding change: c.1001T>C on transcript NM_012448.4 (MANE Select); coding-DNA position 1001, T replaced by C.
Protein change: p.Ile334Thr; replaces isoleucine 334 with threonine.
Molecular consequence: missense variant.
Genome position (GRCh38, 1-based): chr17:42,218,319, A>G on the plus strand (T>C on the coding strand, the complement: STAT5B is on the minus strand). VCF-style: chr17-42218319-A-G. GRCh37 (hg19) VCF-style: chr17-40370337-A-G.
Other names: short protein forms I334T.
Identifiers: ClinVar variation 1406948 (VCV001406948.8), dbSNP rs754879860, ClinGen allele CA290742030.